The following is an entry in ClinVar:

ClinVar aggregate classification (germline): Pathogenic (1 of 4 stars; one submission).

Submission:

GeneDx
Classification: Pathogenic. Last evaluated: 2025-02-25. Review status: criteria provided, single submitter. Criteria: GeneDx Variant Classification Process June 2021. Collection method: clinical testing. Allele origin: germline. Affected: yes.
Comment: Not observed at significant frequency in large population cohorts (gnomAD); Nonsense variant predicted to result in protein truncation or nonsense mediated decay in a gene for which loss of function is a known mechanism of disease; Has not been previously published as pathogenic or benign to our knowledge

NM_001367721.1(CASK):c.660C>G (p.Tyr220Ter)

Gene: CASK (calcium/calmodulin dependent serine protein kinase; minus strand). Cytogenetic location: Xp11.4.
Variant type: single nucleotide variant.
Coding change: c.660C>G on transcript NM_001367721.1 (MANE Select); coding-DNA position 660, C replaced by G.
Protein change: p.Tyr220Ter; replaces tyrosine 220 with a stop codon.
Molecular consequence: nonsense.
Genome position (GRCh38, 1-based): chrX:41,665,325, G>C on the plus strand (C>G on the coding strand, the complement: CASK is on the minus strand). VCF-style: chrX-41665325-G-C. GRCh37 (hg19) VCF-style: chrX-41524578-G-C.
Other names: c.660C>G, p.Tyr220Ter (NM_001126054.3, NM_001126055.3, NM_001410745.1 and 1 more transcripts); short protein forms Y220*.
Identifiers: ClinVar variation 432242 (VCV000432242.3), dbSNP rs747587301, ClinGen allele CA412997815.